The following is an entry in ClinVar:

NM_001370785.2(LRRC7):c.2853C>T (p.His951=)

Genes: LRRC7 (leucine rich repeat containing 7; plus strand), LRRC7-AS1 (LRRC7 antisense RNA 1; minus strand). Cytogenetic location: 1p31.1.
Variant type: single nucleotide variant.
Coding change: c.2853C>T on transcript NM_001370785.2 (MANE Select); coding-DNA position 2853, C replaced by T.
Protein change: p.His951=; no amino-acid change (histidine 951 retained).
Molecular consequence: synonymous variant. On other transcripts: non-coding transcript variant (1).
Genome position (GRCh38, 1-based): chr1:70,038,677, C>T. VCF-style: chr1-70038677-C-T. GRCh37 (hg19) VCF-style: chr1-70504360-C-T.
Other names: c.2754C>T, p.His918= (NM_001330635.3, NM_001366841.1); c.2856C>T, p.His952= (NM_001350216.3); c.2853C>T, p.His951= (NM_001366838.3); c.2694C>T, p.His898= (NM_001366839.3).
Identifiers: ClinVar variation 3770470 (VCV003770470.13).

ClinVar aggregate classification (germline): Benign (1 of 4 stars; one submission).

gnomAD v4.1: 20,670 of 1,614,146 alleles (1.3%); highest among the groups gnomAD compares: Middle Eastern, 2.2%; 177 homozygotes.

Submission:

CeGaT Center for Human Genetics Tuebingen
Classification: Benign. Last evaluated: 2026-09-01. Review status: criteria provided, single submitter. Criteria: CeGaT Center For Human Genetics Tuebingen Variant Classification Criteria Version 2. Collection method: clinical testing. Allele origin: germline. Affected: yes. Observed: 39 variant alleles.
Comment: LRRC7: BP4, BS1, BS2